The following is an entry in ClinVar:

NM_001291303.3(FAT4):c.2921del (p.Pro974fs)

Gene: FAT4 (FAT atypical cadherin 4; plus strand). Cytogenetic location: 4q28.1.
Variant type: Deletion.
Coding change: c.2921del on transcript NM_001291303.3 (MANE Select); coding-DNA position 2921, one base deleted (C; older notation c.2921delC).
Protein change: p.Pro974fs; shifts the reading frame from proline 974.
Molecular consequence: frameshift variant.
Genome position (GRCh38, 1-based): chr4:125,319,332, C deleted; the last of 3 consecutive C bases (chr4:125,319,330-125,319,332); deleting any one gives the same sequence. VCF-style (leftmost placement, unchanged base first): chr4-125319329-TC-T. GRCh37 (hg19) VCF-style: chr4-126240484-TC-T.
Other names: c.2921del, p.Pro974fs (NM_001291285.3, NM_024582.6); short protein forms P974fs.
Identifiers: ClinVar variation 1453459 (VCV001453459.6), dbSNP rs2125942518, ClinGen allele CA2573138070.

ClinVar aggregate classification (germline): Pathogenic (1 of 4 stars; one submission).

Submission:

Labcorp Genetics (formerly Invitae), Labcorp
Classification: Pathogenic. Last evaluated: 2025-02-22. Review status: criteria provided, single submitter. Criteria: Invitae Variant Classification Sherloc (09022015). Collection method: clinical testing. Allele origin: germline.
Comment: This sequence change creates a premature translational stop signal (p.Pro974Hisfs*9) in the FAT4 gene. It is expected to result in an absent or disrupted protein product. Loss-of-function variants in FAT4 are known to be pathogenic (PMID: 24056717, 24913602). This variant is not present in population databases (gnomAD no frequency). This variant has not been reported in the literature in individuals affected with FAT4-related conditions. ClinVar contains an entry for this variant (Variation ID: 1453459). For these reasons, this variant has been classified as Pathogenic.

Literature cited by the submitters: PubMed 24056717; PubMed 24913602.